The following is an entry in ClinVar:

ClinVar aggregate classification (germline): Uncertain significance (1 of 4 stars; one submission).

Conditions:
Luscan-Lumish syndrome. Identifiers: Orphanet 597738, MedGen C4085873, MONDO:0014791, OMIM 616831.

Submission:

Labcorp Genetics (formerly Invitae), Labcorp
Classification: Uncertain significance for Luscan-Lumish syndrome. Last evaluated: 2024-03-16. Review status: criteria provided, single submitter. Criteria: Invitae Variant Classification Sherloc (09022015). Collection method: clinical testing. Allele origin: germline.
Comment: This sequence change falls in intron 7 of the SETD2 gene. It does not directly change the encoded amino acid sequence of the SETD2 protein. It affects a nucleotide within the consensus splice site. This variant is not present in population databases (gnomAD no frequency). This variant has not been reported in the literature in individuals affected with SETD2-related conditions. Variants that disrupt the consensus splice site are a relatively common cause of aberrant splicing (PMID: 17576681, 9536098). Algorithms developed to predict the effect of sequence changes on RNA splicing suggest that this variant may disrupt the consensus splice site. In summary, the available evidence is currently insufficient to determine the role of this variant in disease. Therefore, it has been classified as a Variant of Uncertain Significance.

Literature cited by the submitters: PubMed 17576681; PubMed 9536098.

NM_014159.7(SETD2):c.4917+3_4917+6del

Gene: SETD2 (SET domain containing 2, histone lysine methyltransferase; minus strand). Cytogenetic location: 3p21.31.
Variant type: Microsatellite.
Coding change: c.4917+3_4917+6del on transcript NM_014159.7 (MANE Select); bases 3 to 6 of the intron after coding-DNA position 4917, 4 bases deleted (AAGT; older notation c.4917+3_4917+6delAAGT).
Molecular consequence: splice donor variant.
Genome position (GRCh38, 1-based): chr3:47,103,340-47,103,343, ACTT deleted on the plus strand (AAGT on the coding strand, the reverse complement: SETD2 is on the minus strand); deleting any 4 consecutive bases within chr3:47,103,340-47,103,347 gives the same sequence; the c. name uses the placement nearest the transcript's 3' end. VCF-style (leftmost placement, unchanged base first): chr3-47103339-AACTT-A. GRCh37 (hg19) VCF-style: chr3-47144829-AACTT-A.
Other names: c.4785+3_4785+6del (NM_001349370.3).
Identifiers: ClinVar variation 3646421 (VCV003646421.2).
Genomic context (GRCh38, chr3:47,103,339, plus strand): 5'-CTAAAATTAATGGTCAGAACAGCAATCGTGAACAAATACCTCAAACTCTAAATCCACCTC[AACTT>A]ACTTTTTGGGTTTCACAATTTGGTTCACAGCTGTGATTCATGAAACGAGAGCAATTTCCT-3'